The following is an entry in ClinVar:

NM_001166108.2(PALLD):c.3338C>T (p.Thr1113Ile)

Genes: CBR4 (carbonyl reductase 4; minus strand), PALLD (palladin, cytoskeletal associated protein; plus strand). Cytogenetic location: 4q32.3.
Variant type: single nucleotide variant.
Coding change: c.3338C>T on transcript NM_001166108.2 (MANE Select); coding-DNA position 3338, C replaced by T.
Protein change: p.Thr1113Ile; replaces threonine 1113 with isoleucine.
Molecular consequence: missense variant.
Genome position (GRCh38, 1-based): chr4:168,925,058, C>T. VCF-style: chr4-168925058-C-T. GRCh37 (hg19) VCF-style: chr4-169846209-C-T.
Other names: c.2141C>T, p.Thr714Ile (NM_001166109.2); c.1826C>T, p.Thr609Ile (NM_001166110.2); c.1166C>T, p.Thr389Ile (NM_001367567.1, NM_001367569.1); c.1217C>T, p.Thr406Ile (NM_001367568.1, NM_001367570.1); c.3287C>T, p.Thr1096Ile (NM_016081.4); short protein forms T1096I, T389I, T406I, T714I, T609I, T1113I.
Identifiers: ClinVar variation 1729794 (VCV001729794.5), dbSNP rs1762303963, ClinGen allele CA358714296.

ClinVar aggregate classification (germline): Uncertain significance. Review status: criteria provided, multiple submitters, no conflicts (2 of 4 stars). 2 submissions from 2 submitters: Uncertain significance (2). Last evaluated 2022-12-14.

Conditions:
Pancreatic adenocarcinoma. Identifiers: MedGen C0281361, MONDO:0006047, HP:0006725.

Allele frequency attached by ClinVar (database versions not stated): TOPMed below 0.00001; gnomAD exomes 0.00002.
gnomAD v4.1: 22 of 1,614,054 alleles (0.0014%); highest among the groups gnomAD compares: Non-Finnish European, 0.0019%; no homozygotes.

Submissions (2):

Labcorp Genetics (formerly Invitae), Labcorp
Classification: Uncertain significance for Pancreatic adenocarcinoma. Last evaluated: 2022-12-14. Review status: criteria provided, single submitter. Criteria: Invitae Variant Classification Sherloc (09022015). Collection method: clinical testing. Allele origin: germline.
Comment: This variant has not been reported in the literature in individuals affected with PALLD-related conditions. This variant is not present in population databases (gnomAD no frequency). This sequence change replaces threonine, which is neutral and polar, with isoleucine, which is neutral and non-polar, at codon 609 of the PALLD protein (p.Thr609Ile). ClinVar contains an entry for this variant (Variation ID: 1729794). Algorithms developed to predict the effect of missense changes on protein structure and function (SIFT, PolyPhen-2, Align-GVGD) all suggest that this variant is likely to be disruptive. In summary, the available evidence is currently insufficient to determine the role of this variant in disease. Therefore, it has been classified as a Variant of Uncertain Significance.

Ambry Genetics
Classification: Uncertain significance. Last evaluated: 2022-10-19. Review status: criteria provided, single submitter. Criteria: Ambry Variant Classification Scheme 2023. Collection method: clinical testing. Allele origin: germline.
Comment: The p.T1096I variant (also known as c.3287C>T), located in coding exon 18 of the PALLD gene, results from a C to T substitution at nucleotide position 3287. The threonine at codon 1096 is replaced by isoleucine, an amino acid with similar properties. This amino acid position is conserved. In addition, this alteration is predicted to be deleterious by in silico analysis. Since supporting evidence is limited at this time, the clinical significance of this alteration remains unclear.